The following is an entry in ClinVar:

NM_001032386.2(SUOX):c.1484C>G (p.Ala495Gly)

Gene: SUOX (sulfite oxidase; plus strand). Cytogenetic location: 12q13.2.
Variant type: single nucleotide variant.
Coding change: c.1484C>G on transcript NM_001032386.2 (MANE Select); coding-DNA position 1484, C replaced by G.
Protein change: p.Ala495Gly; replaces alanine 495 with glycine.
Molecular consequence: missense variant.
Genome position (GRCh38, 1-based): chr12:56,004,873, C>G. VCF-style: chr12-56004873-C-G. GRCh37 (hg19) VCF-style: chr12-56398657-C-G.
Other names: c.1484C>G, p.Ala495Gly (NM_000456.3, NM_001032387.2); short protein forms A495G.
Identifiers: ClinVar variation 2105317 (VCV002105317.4), dbSNP rs2540577931, ClinGen allele CA385297325.
Genomic context (GRCh38, chr12:56,004,873, plus strand): 5'-TGGATGGAGAGGAACAGCGCCCCAGGAAGGCCTGGGCATGGCGTCTGTGGCAGTTGAAAG[C>G]CCCTGTGCCAGCTGGACAAAAGGAACTGAACATTGTTTGTAAGGCTGTGGATGATGGTTA-3'
Protein context (NP_001027558.1, residues 485-505): AWAWRLWQLK[Ala495Gly]PVPAGQKELN

ClinVar aggregate classification (germline): Uncertain significance (1 of 4 stars; one submission).

Conditions:
Sulfite oxidase deficiency. Also called: Isolated sulfite oxidase deficiency. Identifiers: Orphanet 833, Orphanet 99731, MedGen C0268624, MONDO:0010089, OMIM 272300, HP:0003643.

Submission:

Labcorp Genetics (formerly Invitae), Labcorp
Classification: Uncertain significance for Sulfite oxidase deficiency. Last evaluated: 2023-08-04. Review status: criteria provided, single submitter. Criteria: Invitae Variant Classification Sherloc (09022015). Collection method: clinical testing. Allele origin: germline.
Comment: This variant is not present in population databases (gnomAD no frequency). In summary, the available evidence is currently insufficient to determine the role of this variant in disease. Therefore, it has been classified as a Variant of Uncertain Significance. Advanced modeling of protein sequence and biophysical properties (such as structural, functional, and spatial information, amino acid conservation, physicochemical variation, residue mobility, and thermodynamic stability) performed at Invitae indicates that this missense variant is not expected to disrupt SUOX protein function. ClinVar contains an entry for this variant (Variation ID: 2105317). This variant has not been reported in the literature in individuals affected with SUOX-related conditions. This sequence change replaces alanine, which is neutral and non-polar, with glycine, which is neutral and non-polar, at codon 495 of the SUOX protein (p.Ala495Gly).